The following is an entry in ClinVar:

ClinVar aggregate classification (germline): Benign/Likely benign. Review status: criteria provided, multiple submitters, no conflicts (2 of 4 stars). 5 submissions from 5 submitters: Benign (2); Likely benign (2). 1 of the submissions does not count toward it. Last evaluated 2026-02-04.

Conditions:
Retinal dystrophy. Also called: Inherited retinal dystrophy. Identifiers: Orphanet 71862, MedGen C0854723, MeSH D058499, MONDO:0019118, HP:0000556.
Retinitis pigmentosa (RP). Identifiers: Orphanet 791, MedGen C0035334, MeSH D012174, MONDO:0019200, OMIM 268000. Inheritance: Autosomal dominant, autosomal recessive and X linked inheritance.

Allele frequency attached by ClinVar (database versions not stated): 1000 Genomes Project 30x 0.03701; TOPMed 0.03701; 1000 Genomes Project 0.03994; gnomAD 0.04307 and 0.04422; ESP Exome Variant Server 0.04345; gnomAD exomes 0.05264 and 0.06072; ExAC 0.05527.
gnomAD v4.1: 94,961 of 1,613,996 alleles (5.9%); highest among the groups gnomAD compares: South Asian, 7.6%; 3,242 homozygotes.

Submissions (5):

Labcorp Genetics (formerly Invitae), Labcorp
Classification: Benign. Last evaluated: 2026-02-04. Review status: criteria provided, single submitter. Criteria: Invitae Variant Classification Sherloc (09022015). Collection method: clinical testing. Allele origin: germline.

Dept Of Ophthalmology, Nagoya University
Classification: Benign for Retinal dystrophy. Last evaluated: 2023-10-01. Review status: criteria provided, single submitter. Criteria: Submitter's publication. Collection method: research. Allele origin: germline. Affected: yes.

Illumina Laboratory Services, Illumina
Classification: Likely benign for Retinitis pigmentosa. Last evaluated: 2018-01-13. Review status: criteria provided, single submitter. Criteria: ICSL Variant Classification Criteria 13 December 2019. Collection method: clinical testing. Allele origin: germline.
Comment: This variant was observed in the ICSL laboratory as part of a predisposition screen in an ostensibly healthy population. It had not been previously curated by ICSL or reported in the Human Gene Mutation Database (HGMD: prior to June 1st, 2018), and was therefore a candidate for classification through an automated scoring system. Utilizing variant allele frequency, disease prevalence and penetrance estimates, and inheritance mode, an automated score was calculated to assess if this variant is too frequent to cause the disease. Based on the score and internal cut-off values, a variant classified as likely benign is not then subjected to further curation. The score for this variant resulted in a classification of likely benign for this disease.

Breakthrough Genomics
Classification: Likely benign. Review status: criteria provided, single submitter. Criteria: ACMG Guidelines, 2015. Collection method: not provided. Allele origin: germline. Inheritance: Autosomal recessive inheritance. Affected: yes.

NEI Ophthalmic Genomics Laboratory, National Institutes of Health
No classification provided. Review status: no classification provided. Collection method: not provided. Allele origin: not provided. Not counted in ClinVar's aggregate classification.

NM_001297.5(CNGB1):c.2882C>T (p.Ala961Val)

Gene: CNGB1 (cyclic nucleotide gated channel subunit beta 1; minus strand). Cytogenetic location: 16q21.
Variant type: single nucleotide variant.
Coding change: c.2882C>T on transcript NM_001297.5 (MANE Select); coding-DNA position 2882, C replaced by T.
Protein change: p.Ala961Val; replaces alanine 961 with valine.
Molecular consequence: missense variant.
Genome position (GRCh38, 1-based): chr16:57,901,538, G>A on the plus strand (C>T on the coding strand, the complement: CNGB1 is on the minus strand). VCF-style: chr16-57901538-G-A. GRCh37 (hg19) VCF-style: chr16-57935442-G-A.
Other names: c.2864C>T, p.Ala955Val (NM_001286130.2); short protein forms A961V, A955V.
Identifiers: ClinVar variation 100569 (VCV000100569.15), dbSNP rs112002818, ClinGen allele CA228896.
Genomic context (GRCh38, chr16:57,901,538, plus strand): 5'-GGGCTTGGAGCCTCCCACAGCCCTGAGCGTGAGGGCACCAAAAGGTGTACCTGAAAGAGT[G>A]CGACTTTGCTAACGATGTTGTAGTTCACGTCGATGGCGAGGTCCAGCCGCATCTTGTCTG-3'
Protein context (NP_001288.3, residues 951-971): DVNYNIVSKV[Ala961Val]LFQGCDRQMI